The following is an entry in ClinVar:

NM_001453.3(FOXC1):c.735_758dup (p.Ala253_Val254insLeuGlySerGlySerAlaAlaAla)

Gene: FOXC1 (forkhead box C1; plus strand). Cytogenetic location: 6p25.3.
Variant type: Duplication.
Coding change: c.735_758dup on transcript NM_001453.3 (MANE Select); coding-DNA positions 735 to 758, 24 bases duplicated (CCTGGGCAGCGGCAGCGCCGCCGC).
Protein change: p.Ala253_Val254insLeuGlySerGlySerAlaAlaAla.
Molecular consequence: inframe insertion.
Genome position (GRCh38, 1-based): chr6:1,611,180-1,611,203, CCTGGGCAGCGGCAGCGCCGCCGC duplicated; duplicating any 24 consecutive bases within chr6:1,611,172-1,611,203 gives the same sequence; the c. name uses the placement nearest the transcript's 3' end. VCF-style (leftmost placement, unchanged base first): chr6-1611171-G-GGCCGCCGCCCTGGGCAGCGGCAGC. GRCh37 (hg19) VCF-style: chr6-1611406-G-GGCCGCCGCCCTGGGCAGCGGCAGC.
Identifiers: ClinVar variation 2195333 (VCV002195333.4), dbSNP rs773870097, ClinGen allele CA917658576.

ClinVar aggregate classification (germline): Uncertain significance (1 of 4 stars; one submission).

Conditions:
Axenfeld-Rieger syndrome type 3 (RIEG3). Also called: AXENFELD-RIEGER ANOMALY WITH CARDIAC DEFECTS AND/OR SENSORINEURAL HEARING LOSS. Identifiers: Orphanet 782, MedGen C2678503, MONDO:0011233, OMIM 602482.

Submission:

Labcorp Genetics (formerly Invitae), Labcorp
Classification: Uncertain significance for Axenfeld-Rieger syndrome type 3. Last evaluated: 2024-02-02. Review status: criteria provided, single submitter. Criteria: Invitae Variant Classification Sherloc (09022015). Collection method: clinical testing. Allele origin: germline.
Comment: This variant, c.735_758dup, results in the insertion of 8 amino acid(s) of the FOXC1 protein (p.Leu246_Ala253dup), but otherwise preserves the integrity of the reading frame. This variant is not present in population databases (gnomAD no frequency). This variant has not been reported in the literature in individuals affected with FOXC1-related conditions. ClinVar contains an entry for this variant (Variation ID: 2195333). Experimental studies and prediction algorithms are not available or were not evaluated, and the functional significance of this variant is currently unknown. In summary, the available evidence is currently insufficient to determine the role of this variant in disease. Therefore, it has been classified as a Variant of Uncertain Significance.